The following is an entry in ClinVar:

ClinVar aggregate classification (germline): Likely benign (1 of 4 stars; one submission).

Allele frequency attached by ClinVar (database versions not stated): gnomAD exomes 0.00005; ESP Exome Variant Server 0.00022; gnomAD 0.00003; TOPMed 0.00002.
gnomAD v4.1: 76 of 1,551,092 alleles (0.0049%); highest among the groups gnomAD compares: Non-Finnish European, 0.0054%; no homozygotes.

Submission:

CeGaT Center for Human Genetics Tuebingen
Classification: Likely benign. Last evaluated: 2023-10-01. Review status: criteria provided, single submitter. Criteria: CeGaT Center For Human Genetics Tuebingen Variant Classification Criteria Version 2. Collection method: clinical testing. Allele origin: germline. Affected: yes. Observed: 1 variant allele.
Comment: SYNPO: BP4

NM_001166208.2(SYNPO):c.389C>T (p.Ala130Val)

Gene: SYNPO (synaptopodin; plus strand). Cytogenetic location: 5q33.1.
Variant type: single nucleotide variant.
Coding change: c.389C>T on transcript NM_001166208.2; coding-DNA position 389, C replaced by T.
Protein change: p.Ala130Val; replaces alanine 130 with valine.
Molecular consequence: missense variant.
Genome position (GRCh38, 1-based): chr5:150,618,756, C>T. VCF-style: chr5-150618756-C-T. GRCh37 (hg19) VCF-style: chr5-149998318-C-T.
Other names: c.389C>T, p.Ala130Val (NM_001166209.2); short protein forms A130V.
Identifiers: ClinVar variation 2655938 (VCV002655938.22), dbSNP rs369739500, ClinGen allele CA129151203.
Genomic context (GRCh38, chr5:150,618,756, plus strand): 5'-TAGTGAAGGCCGGGCAGATGATGACAGCCAGCCCCAGCCCTGGCCCTGGGCCCAGAGTGG[C>T]CCAGAAACCAGGTAAGCTTGTGTTCCTTTTCCCTTGGACTACCAGAGTCACTGGAGACCC-3'